The following is an entry in ClinVar:

NM_000551.4(VHL):c.340+612C>T

Genes: VHL (von Hippel-Lindau tumor suppressor; plus strand), LOC107303340 (3p25 von Hippel-Lindau tumor suppressor, E3 ubiquitin protein ligase Alu-mediated recombination region; plus strand). Cytogenetic location: 3p25.3.
Variant type: single nucleotide variant.
Coding change: c.340+612C>T on transcript NM_000551.4 (MANE Select); 612 bases into the intron after coding-DNA position 340, C replaced by T.
Molecular consequence: intron variant. On other transcripts: missense variant (1), non-coding transcript variant (1).
Genome position (GRCh38, 1-based): chr3:10,142,799, C>T. VCF-style: chr3-10142799-C-T. GRCh37 (hg19) VCF-style: chr3-10184483-C-T.
Other names: c.377C>T, p.Pro126Leu (NM_001354723.2); c.340+612C>T (NM_198156.3); short protein forms P126L.
Identifiers: ClinVar variation 3752031 (VCV003752031.2).

ClinVar aggregate classification (germline): Uncertain significance (1 of 4 stars; one submission).

Conditions:
Chuvash polycythemia. Also called: POLYCYTHEMIA, VHL-DEPENDENT. Identifiers: Orphanet 238557, MedGen C1837915, MONDO:0009892, OMIM 263400.
Von Hippel-Lindau syndrome (VHLS). Also called: VHL syndrome; von Hippel–Lindau syndrome; Von Hippel-Lindau. Identifiers: Orphanet 892, MedGen C0019562, MONDO:0008667, OMIM 193300. Disease mechanism: loss of function.

Submission:

Labcorp Genetics (formerly Invitae), Labcorp
Classification: Uncertain significance for Von Hippel-Lindau syndrome; Chuvash polycythemia. Last evaluated: 2025-08-04. Review status: criteria provided, single submitter. Criteria: Invitae Variant Classification Sherloc (09022015). Collection method: clinical testing. Allele origin: germline.
Comment: This sequence change falls in intron 1 of the VHL gene. It is not expected to change the encoded amino acid sequence of the VHL protein. However, this sequence change falls within a cryptic exon in the VHL gene, known as exon E1’, which is naturally expressed at low levels in several human tissues (PMID: 29891534). This variant is not present in population databases (gnomAD no frequency). This variant has not been reported in the literature in individuals affected with VHL-related conditions. ClinVar contains an entry for this variant (Variation ID: 3752031). Algorithms developed to predict the effect of sequence changes on RNA splicing suggest that this variant is not likely to affect RNA splicing. In summary, the available evidence is currently insufficient to determine the role of this variant in disease. Therefore, it has been classified as a Variant of Uncertain Significance.

Literature cited by the submitters: PubMed 29891534.